The following is an entry in ClinVar:

ClinVar aggregate classification (germline): Conflicting classifications of pathogenicity. Review status: criteria provided, conflicting classifications (1 of 4 stars). 4 submissions from 4 submitters: Uncertain significance (3); Likely benign (1). Last evaluated 2026-05-08.

Conditions:
TTN-related disorder. Also called: TTN-related condition; TTN-related disease; TTN-related disorders.

Allele frequency attached by ClinVar (database versions not stated): gnomAD 0.00003 and 0.00004; gnomAD exomes 0.00004; ExAC 0.00005; ESP Exome Variant Server 0.00008; TOPMed 0.00002.
gnomAD v4.1: 57 of 1,613,778 alleles (0.0035%); highest among the groups gnomAD compares: Non-Finnish European, 0.0043%; no homozygotes.

Submissions (4):

Women's Health and Genetics/Laboratory Corporation of America, LabCorp
Classification: Uncertain significance. Last evaluated: 2026-05-08. Review status: criteria provided, single submitter. Criteria: LabCorp Variant Classification Summary - May 2015. Collection method: clinical testing. Allele origin: germline.

PreventionGenetics, part of Exact Sciences
Classification: Uncertain significance for TTN-related condition. Last evaluated: 2025-04-17. Review status: criteria provided, single submitter. Criteria: ACMG Guidelines, 2015. Collection method: clinical testing. Allele origin: germline.
Comment: The TTN c.28924A>G variant is predicted to result in the amino acid substitution p.Ser9642Gly. To our knowledge, this variant has not been reported in the literature. This variant is reported in 0.0071% of alleles in individuals of European (Non-Finnish) descent in gnomAD. At this time, the clinical significance of this variant is uncertain due to the absence of conclusive functional and genetic evidence.

ARUP Laboratories, Molecular Genetics and Genomics, ARUP Laboratories
Classification: Uncertain significance. Last evaluated: 2019-04-01. Review status: criteria provided, single submitter. Criteria: ARUP Molecular Germline Variant Investigation Process. Collection method: clinical testing. Allele origin: germline.
Comment: The TTN: c.25192A>G; p.Ser8398Gly variant (rs367888853; ClinVar Variation ID: 506743) is rare in the general population (<1% allele frequency in the Genome Aggregation Database) and has not been reported in the medical literature in association with dilated cardiomyopathy (DCM) or other TTN-related disease. The clinical relevance of rare missense variants in this gene, which are identified on average once per individual sequenced in affected populations (Herman 2012), is not well understood. Yet, evidence suggests that the vast majority of such missense variants do not contribute to the clinical outcome of DCM (Begay 2015). Thus, the clinical significance of the p.Ser8398Gly variant cannot be determined with certainty.

GeneDx
Classification: Likely benign. Last evaluated: 2017-11-29. Review status: criteria provided, single submitter. Criteria: GeneDx Variant Classification (06012015). Collection method: clinical testing. Allele origin: germline. Affected: yes.
Comment: This variant is considered likely benign or benign based on one or more of the following criteria: it is a conservative change, it occurs at a poorly conserved position in the protein, it is predicted to be benign by multiple in silico algorithms, and/or has population frequency not consistent with disease.

NM_001267550.2(TTN):c.28924A>G (p.Ser9642Gly)

Gene: TTN (titin; minus strand). Cytogenetic location: 2q31.2.
Variant type: single nucleotide variant.
Coding change: c.28924A>G on transcript NM_001267550.2 (MANE Select); coding-DNA position 28924, A replaced by G.
Protein change: p.Ser9642Gly; replaces serine 9642 with glycine.
Molecular consequence: missense variant. On other transcripts: intron variant (3).
Genome position (GRCh38, 1-based): chr2:178,707,643, T>C on the plus strand (A>G on the coding strand, the complement: TTN is on the minus strand). VCF-style: chr2-178707643-T-C. GRCh37 (hg19) VCF-style: chr2-179572370-T-C.
Other names: c.27973A>G, p.Ser9325Gly (NM_001256850.1); c.25192A>G, p.Ser8398Gly (NM_133378.4); c.13282+30439A>G (NM_003319.4); c.13858+30439A>G (NM_133437.4); c.13657+30439A>G (NM_133432.3); short protein forms S9325G, S9642G, S8398G.
Identifiers: ClinVar variation 506743 (VCV000506743.12), dbSNP rs367888853, ClinGen allele CA1999502.